The following is an entry in ClinVar:

ClinVar aggregate classification (germline): Conflicting classifications of pathogenicity. Review status: criteria provided, conflicting classifications (1 of 4 stars). 3 submissions from 3 submitters: Likely pathogenic (2); Uncertain significance (1). Last evaluated 2024-06-06.

Conditions:
Primary congenital glaucoma. Also called: Primary congenital glaucoma (disease). Identifiers: MedGen C1533041, MONDO:0000365, HP:0008007.
Congenital glaucoma. Identifiers: MedGen C0020302, MONDO:0020366.
Glaucoma 3A. Also called: Glaucoma 3, primary congenital, A. Identifiers: Orphanet 98976, Orphanet 98977, MedGen C1856439, MONDO:0009277, OMIM 231300.
Anterior segment dysgenesis 6 (ASGD6). Also called: Anterior segment dysgenesis 6, multiple subtypes. Identifiers: MedGen C4310623, MONDO:0015016, OMIM 617315.

Submissions (3):

Fulgent Genetics
Classification: Likely pathogenic for Glaucoma 3A; Anterior segment dysgenesis 6. Last evaluated: 2024-06-06. Review status: criteria provided, single submitter. Criteria: ACMG Guidelines, 2015. Collection method: clinical testing. Allele origin: germline.

Women's Health and Genetics/Laboratory Corporation of America, LabCorp
Classification: Likely pathogenic for Primary congenital glaucoma. Last evaluated: 2024-06-06. Review status: criteria provided, single submitter. Criteria: LabCorp Variant Classification Summary - May 2015. Collection method: clinical testing. Allele origin: germline.
Comment: Variant summary: CYP1B1 c.694G>A (p.Gly232Arg) results in a non-conservative amino acid change in the encoded protein sequence. Five of five in-silico tools predict a damaging effect of the variant on protein function. The variant was absent in 244486 control chromosomes. p.Gly232Arg has been reported in the literature in individuals affected with Primary congenital glaucoma and Primary open-angle glaucoma (example: Melki_2004). These data indicate that the variant is likely to be associated with disease. To our knowledge, no experimental evidence demonstrating an impact on protein function has been reported. The following publications have been ascertained in the context of this evaluation (PMID: 14635112, 15342693). ClinVar contains an entry for this variant (Variation ID: 2984231). Based on the evidence outlined above, the variant was classified as likely pathogenic.

Labcorp Genetics (formerly Invitae), Labcorp
Classification: Uncertain significance for Congenital glaucoma. Last evaluated: 2023-12-03. Review status: criteria provided, single submitter. Criteria: Invitae Variant Classification Sherloc (09022015). Collection method: clinical testing. Allele origin: germline.
Comment: This sequence change replaces glycine, which is neutral and non-polar, with arginine, which is basic and polar, at codon 232 of the CYP1B1 protein (p.Gly232Arg). This variant is not present in population databases (gnomAD no frequency). This missense change has been observed in individual(s) with clinical features of primary congenital glaucoma (PMID: 14635112, 15342693; Invitae). In at least one individual the data is consistent with being in trans (on the opposite chromosome) from a pathogenic variant. Advanced modeling of protein sequence and biophysical properties (such as structural, functional, and spatial information, amino acid conservation, physicochemical variation, residue mobility, and thermodynamic stability) has been performed at Invitae for this missense variant, however the output from this modeling did not meet the statistical confidence thresholds required to predict the impact of this variant on CYP1B1 protein function. In summary, the available evidence is currently insufficient to determine the role of this variant in disease. Therefore, it has been classified as a Variant of Uncertain Significance.

Literature cited by the submitters: PubMed 15342693 (cited by Women's Health and Genetics/Laboratory Corporation of America, LabCorp and Labcorp Genetics (formerly Invitae), Labcorp); PubMed 14635112 (cited by Women's Health and Genetics/Laboratory Corporation of America, LabCorp and Labcorp Genetics (formerly Invitae), Labcorp).

NM_000104.4(CYP1B1):c.694G>A (p.Gly232Arg)

Gene: CYP1B1 (cytochrome P450 family 1 subfamily B member 1; minus strand). Cytogenetic location: 2p22.2.
Variant type: single nucleotide variant.
Coding change: c.694G>A on transcript NM_000104.4 (MANE Select); coding-DNA position 694, G replaced by A.
Protein change: p.Gly232Arg; replaces glycine 232 with arginine.
Molecular consequence: missense variant.
Genome position (GRCh38, 1-based): chr2:38,074,695, C>T on the plus strand (G>A on the coding strand, the complement: CYP1B1 is on the minus strand). VCF-style: chr2-38074695-C-T. GRCh37 (hg19) VCF-style: chr2-38301838-C-T.
Other names: short protein forms G232R.
Identifiers: ClinVar variation 2984231 (VCV002984231.5), dbSNP rs104893628, ClinGen allele CA346328704.